The following is an entry in ClinVar:

ClinVar aggregate classification (germline): Uncertain significance (1 of 4 stars; one submission).

Conditions:
Hereditary pancreatitis (PCTT). Also called: PRSS1-Related Hereditary Pancreatitis; Hereditary chronic pancreatitis. Identifiers: Orphanet 676, MedGen C0238339, MONDO:0008185, OMIM 167800.

Submission:

Ambry Genetics
Classification: Uncertain significance for Hereditary pancreatitis. Last evaluated: 2022-04-19. Review status: criteria provided, single submitter. Criteria: Ambry Variant Classification Scheme 2023. Collection method: clinical testing. Allele origin: germline.
Comment: The p.Q310R variant (also known as c.929A>G), located in coding exon 8 of the CPA1 gene, results from an A to G substitution at nucleotide position 929. The glutamine at codon 310 is replaced by arginine, an amino acid with highly similar properties. This amino acid position is conserved. In addition, this alteration is predicted to be deleterious by in silico analysis. Since supporting evidence is limited at this time, the clinical significance of this alteration remains unclear.

NM_001868.4(CPA1):c.929A>G (p.Gln310Arg)

Gene: CPA1 (carboxypeptidase A1; plus strand). Cytogenetic location: 7q32.2.
Variant type: single nucleotide variant.
Coding change: c.929A>G on transcript NM_001868.4 (MANE Select); coding-DNA position 929, A replaced by G.
Protein change: p.Gln310Arg; replaces glutamine 310 with arginine.
Molecular consequence: missense variant.
Genome position (GRCh38, 1-based): chr7:130,385,287, A>G. VCF-style: chr7-130385287-A-G. GRCh37 (hg19) VCF-style: chr7-130025128-A-G.
Other names: short protein forms Q310R.
Identifiers: ClinVar variation 1766453 (VCV001766453.3), dbSNP rs2536012290, ClinGen allele CA369283784.